The following is an entry in ClinVar:

ClinVar aggregate classification (germline): Uncertain significance. Review status: criteria provided, multiple submitters, no conflicts (2 of 4 stars). 2 submissions from 2 submitters: Uncertain significance (2). Last evaluated 2023-10-16.

Conditions:
Inborn genetic diseases. Identifiers: MedGen C0950123, MeSH D030342.
Developmental and epileptic encephalopathy. Identifiers: MedGen C5779964, MONDO:0100620.

Allele frequency attached by ClinVar (database versions not stated): TOPMed below 0.00001; gnomAD 0.00001; gnomAD exomes 0.00001; ExAC 0.00002; 1000 Genomes Project 30x 0.00016; 1000 Genomes Project 0.00020.
gnomAD v4.1: 10 of 1,614,094 alleles (0.00062%); highest among the groups gnomAD compares: Middle Eastern, 0.017%; no homozygotes.

Submissions (2):

Ambry Genetics
Classification: Uncertain significance for Inborn genetic diseases. Last evaluated: 2023-10-16. Review status: criteria provided, single submitter. Criteria: Ambry Variant Classification Scheme 2023. Collection method: clinical testing. Allele origin: germline.

Labcorp Genetics (formerly Invitae), Labcorp
Classification: Uncertain significance for Early-infantile DEE. Last evaluated: 2022-01-17. Review status: criteria provided, single submitter. Criteria: Invitae Variant Classification Sherloc (09022015). Collection method: clinical testing. Allele origin: germline.
Comment: This sequence change replaces arginine, which is basic and polar, with tryptophan, which is neutral and slightly polar, at codon 360 of the ST3GAL3 protein (p.Arg360Trp). This variant is present in population databases (rs546025340, gnomAD 0.005%). This variant has not been reported in the literature in individuals affected with ST3GAL3-related conditions. Algorithms developed to predict the effect of missense changes on protein structure and function are either unavailable or do not agree on the potential impact of this missense change (SIFT: "Deleterious"; PolyPhen-2: "Possibly Damaging"; Align-GVGD: "Class C0"). In summary, the available evidence is currently insufficient to determine the role of this variant in disease. Therefore, it has been classified as a Variant of Uncertain Significance.

NM_006279.5(ST3GAL3):c.1078C>T (p.Arg360Trp)

Gene: ST3GAL3 (ST3 beta-galactoside alpha-2,3-sialyltransferase 3; plus strand). Cytogenetic location: 1p34.1.
Variant type: single nucleotide variant.
Coding change: c.1078C>T on transcript NM_006279.5 (MANE Select); coding-DNA position 1078, C replaced by T.
Protein change: p.Arg360Trp; replaces arginine 360 with tryptophan.
Molecular consequence: missense variant. On other transcripts: synonymous variant (3), 3 prime UTR variant (1), non-coding transcript variant (8).
Genome position (GRCh38, 1-based): chr1:43,930,171, C>T. VCF-style: chr1-43930171-C-T. GRCh37 (hg19) VCF-style: chr1-44395843-C-T.
Other names: c.988C>T, p.Arg330Trp (NM_001270459.2); c.985C>T, p.Arg329Trp (NM_001270460.2); c.736C>T, p.Arg246Trp (NM_001270461.3); c.643C>T, p.Arg215Trp (NM_001270462.3); c.594C>T, p.Cys198= (NM_001270463.3); c.549C>T, p.Cys183= (NM_001270464.3); c.*62C>T (NM_001270465.3); c.294C>T, p.Cys98= (NM_001270466.3); and 14 more; short protein forms A161V, A425V, R316W, R360W, A332V, A440V, A130V, R246W.
Identifiers: ClinVar variation 1512737 (VCV001512737.7), dbSNP rs546025340, ClinGen allele CA814911.